The following is an entry in ClinVar:

NM_003107.3(SOX4):c.1412T>C (p.Val471Ala)

Gene: SOX4 (SRY-box transcription factor 4; plus strand). Cytogenetic location: 6p22.3.
Variant type: single nucleotide variant.
Coding change: c.1412T>C on transcript NM_003107.3 (MANE Select); coding-DNA position 1412, T replaced by C.
Protein change: p.Val471Ala; replaces valine 471 with alanine.
Molecular consequence: missense variant.
Genome position (GRCh38, 1-based): chr6:21,595,946, T>C. VCF-style: chr6-21595946-T-C. GRCh37 (hg19) VCF-style: chr6-21596177-T-C.
Other names: short protein forms V471A.
Identifiers: ClinVar variation 2444766 (VCV002444766.1), dbSNP rs1582603223, ClinGen allele CA363272609.

ClinVar aggregate classification (germline): Uncertain significance (1 of 4 stars; one submission).

Submission:

GeneDx
Classification: Uncertain significance. Last evaluated: 2022-09-16. Review status: criteria provided, single submitter. Criteria: GeneDx Variant Classification Process June 2021. Collection method: clinical testing. Allele origin: germline. Affected: yes.
Comment: Not observed at significant frequency in large population cohorts (gnomAD); In silico analysis supports that this missense variant has a deleterious effect on protein structure/function; Has not been previously published as pathogenic or benign to our knowledge